The following is an entry in ClinVar:

NM_002496.4(NDUFS8):c.64C>T (p.Pro22Ser)

Gene: NDUFS8 (NADH:ubiquinone oxidoreductase core subunit S8; plus strand). Cytogenetic location: 11q13.2.
Variant type: single nucleotide variant.
Coding change: c.64C>T on transcript NM_002496.4 (MANE Select); coding-DNA position 64, C replaced by T.
Protein change: p.Pro22Ser; replaces proline 22 with serine.
Molecular consequence: missense variant.
Genome position (GRCh38, 1-based): chr11:68,032,291, C>T. VCF-style: chr11-68032291-C-T. GRCh37 (hg19) VCF-style: chr11-67799758-C-T.
Other names: p.P22S:CCT>TCT; short protein forms P22S.
Identifiers: ClinVar variation 214835 (VCV000214835.12), dbSNP rs369602258, ClinGen allele CA321211.
Genomic context (GRCh38, chr11:68,032,291, plus strand): 5'-CTGGGGGTAGGGGAGTCCAGTCTCCTGGTATGACGTCACGCCCTTCTTTTTGCAGGACCT[C>T]CTGGTGGCCGGAGCCTCCACAGCAGTGCAGTGGCAGCCACCTACAGTGAGTACCTGGGTG-3'
Protein context (NP_002487.1, residues 12-32): ALAQAARAGP[Pro22Ser]GGRSLHSSAV

ClinVar aggregate classification (germline): Uncertain significance. Review status: criteria provided, multiple submitters, no conflicts (2 of 4 stars). 4 submissions from 4 submitters: Uncertain significance (4). Last evaluated 2025-08-27.

Conditions:
Inborn genetic diseases. Identifiers: MedGen C0950123, MeSH D030342.
Leigh syndrome (NULS). Also called: Subacute necrotizing encephalopathy; Necrotizing encephalopathy infantile subacute of Leigh; Leigh's syndrome; Leigh Disease; LEIGH SYNDROME, NUCLEAR; Leigh's necrotizing encephalopathy. Identifiers: Orphanet 506, MedGen C2931891, MONDO:0009723, OMIM 256000.

Allele frequency attached by ClinVar (database versions not stated): gnomAD 0.00003 and 0.00012; TOPMed 0.00007; 1000 Genomes Project 0.00040; 1000 Genomes Project 30x 0.00047.
gnomAD v4.1: 187 of 1,613,830 alleles (0.012%); highest among the groups gnomAD compares: South Asian, 0.075%; no homozygotes.

Submissions (4):

Ambry Genetics
Classification: Uncertain significance for Inborn genetic diseases. Last evaluated: 2025-08-27. Review status: criteria provided, single submitter. Criteria: Ambry Variant Classification Scheme 2023. Collection method: clinical testing. Allele origin: germline.

Labcorp Genetics (formerly Invitae), Labcorp
Classification: Uncertain significance. Last evaluated: 2023-11-06. Review status: criteria provided, single submitter. Criteria: Invitae Variant Classification Sherloc (09022015). Collection method: clinical testing. Allele origin: germline.
Comment: This sequence change replaces proline, which is neutral and non-polar, with serine, which is neutral and polar, at codon 22 of the NDUFS8 protein (p.Pro22Ser). The frequency data for this variant in the population databases is considered unreliable, as metrics indicate poor data quality at this position in the gnomAD database. This variant has not been reported in the literature in individuals affected with NDUFS8-related conditions. ClinVar contains an entry for this variant (Variation ID: 214835). Algorithms developed to predict the effect of missense changes on protein structure and function output the following: SIFT: "Not Available"; PolyPhen-2: "Benign"; Align-GVGD: "Not Available". The serine amino acid residue is found in multiple mammalian species, which suggests that this missense change does not adversely affect protein function. In summary, the available evidence is currently insufficient to determine the role of this variant in disease. Therefore, it has been classified as a Variant of Uncertain Significance.

GeneDx
Classification: Uncertain significance. Last evaluated: 2021-10-04. Review status: criteria provided, single submitter. Criteria: GeneDx Variant Classification Process June 2021. Collection method: clinical testing. Allele origin: germline. Affected: yes.
Comment: In silico analysis supports that this missense variant does not alter protein structure/function; Has not been previously published as pathogenic or benign to our knowledge

Baylor Genetics
Classification: Uncertain significance for Leigh syndrome. Last evaluated: 2018-05-24. Review status: criteria provided, single submitter. Criteria: ACMG Guidelines, 2015. Collection method: clinical testing. Allele origin: paternal. Affected: yes.
Comment: This variant was determined to be of uncertain significance according to ACMG Guidelines, 2015 [PMID:25741868].